The following is an entry in ClinVar:

NM_006939.4(SOS2):c.549G>T (p.Leu183Phe)

Gene: SOS2 (SOS Ras/Rho guanine nucleotide exchange factor 2; minus strand). Cytogenetic location: 14q21.3.
Variant type: single nucleotide variant.
Coding change: c.549G>T on transcript NM_006939.4 (MANE Select); coding-DNA position 549, G replaced by T.
Protein change: p.Leu183Phe; replaces leucine 183 with phenylalanine.
Molecular consequence: missense variant.
Genome position (GRCh38, 1-based): chr14:50,188,662, C>A on the plus strand (G>T on the coding strand, the complement: SOS2 is on the minus strand). VCF-style: chr14-50188662-C-A. GRCh37 (hg19) VCF-style: chr14-50655380-C-A.
Other names: short protein forms L183F.
Identifiers: ClinVar variation 1515352 (VCV001515352.6), dbSNP rs137961578, ClinGen allele CA389648286.

ClinVar aggregate classification (germline): Uncertain significance (1 of 4 stars; one submission).

Conditions:
Noonan syndrome 9 (NS9). Identifiers: Orphanet 648, MedGen C4225282, MONDO:0014691, OMIM 616559.

Submission:

Labcorp Genetics (formerly Invitae), Labcorp
Classification: Uncertain significance for Noonan syndrome 9. Last evaluated: 2021-11-02. Review status: criteria provided, single submitter. Criteria: Invitae Variant Classification Sherloc (09022015). Collection method: clinical testing. Allele origin: germline.
Comment: In summary, the available evidence is currently insufficient to determine the role of this variant in disease. Therefore, it has been classified as a Variant of Uncertain Significance. Advanced modeling of protein sequence and biophysical properties (such as structural, functional, and spatial information, amino acid conservation, physicochemical variation, residue mobility, and thermodynamic stability) performed at Invitae indicates that this missense variant is not expected to disrupt SOS2 protein function. This variant has not been reported in the literature in individuals affected with SOS2-related conditions. This variant is not present in population databases (gnomAD no frequency). This sequence change replaces leucine, which is neutral and non-polar, with phenylalanine, which is neutral and non-polar, at codon 183 of the SOS2 protein (p.Leu183Phe).